The following is an entry in ClinVar:

NM_003002.4(SDHD):c.328GTT[1] (p.Val111del)

Gene: SDHD (succinate dehydrogenase complex subunit D; plus strand). Cytogenetic location: 11q23.1.
Variant type: Microsatellite.
Coding change: c.328GTT[1] on transcript NM_003002.4 (MANE Select); one copy of the 3-base unit GTT starting at c.328; the reference has two copies in a row; one copy, 3 bases deleted.
Protein change: p.Val111del; deletes valine 111.
Molecular consequence: inframe deletion. On other transcripts: 3 prime UTR variant (1), non-coding transcript variant (1).
Genome position (GRCh38, 1-based): chr11:112,094,821-112,094,823, GTT deleted; deleting any 3 consecutive bases within chr11:112,094,818-112,094,823 gives the same sequence; the position shown is the placement nearest the transcript's 3' end. VCF-style (leftmost placement, unchanged base first): chr11-112094817-AGTT-A. GRCh37 (hg19) VCF-style: chr11-111965541-AGTT-A.
Other names: c.183GTT[1], p.Leu64del (NM_001276503.2); c.211GTT[1], p.Val72del (NM_001276504.2); c.*26GTT[1] (NM_001276506.2); short protein forms V111del, V72del, L64del.
Identifiers: ClinVar variation 438438 (VCV000438438.7), dbSNP rs1555187580, ClinGen allele CA645509539.

ClinVar aggregate classification (germline): Uncertain significance. Review status: criteria provided, single submitter (1 of 4 stars). 2 submissions from 2 submitters: Uncertain significance (1). 1 of the submissions does not count toward it. Last evaluated 2024-04-24.

Conditions:
Paragangliomas with sensorineural hearing loss. Identifiers: MedGen C1868633.
Pheochromocytoma. Also called: MAX-Related Hereditary Paraganglioma-Pheochromocytoma Syndrome. Identifiers: Orphanet 29072, MedGen C0031511, MONDO:0008233, OMIM 171300, HP:0002666.
Cowden syndrome 3 (CWS3). Identifiers: Orphanet 201, MedGen CN166604, MONDO:0014045.
Carney-Stratakis syndrome. Also called: PARAGANGLIOMA AND GASTROINTESTINAL STROMAL TUMOR. Identifiers: Orphanet 97286, MedGen C1847319, MONDO:0011740, OMIM 606864.
Hereditary pheochromocytoma and paraganglioma. Also called: Hereditary Paraganglioma-Pheochromocytoma Syndromes; Hereditary paragangliomas and pheochromocytomas; Hereditary pheochromocytoma-paraganglioma. Identifiers: Orphanet 29072, MedGen C4274332, MONDO:0017366.

Submissions (2):

Labcorp Genetics (formerly Invitae), Labcorp
Classification: Uncertain significance for Carney-Stratakis syndrome; Paragangliomas with sensorineural hearing loss; Pheochromocytoma; Cowden syndrome 3. Last evaluated: 2024-04-24. Review status: criteria provided, single submitter. Criteria: Invitae Variant Classification Sherloc (09022015). Collection method: clinical testing. Allele origin: germline.
Comment: This variant, c.331_333del, results in the deletion of 1 amino acid(s) of the SDHD protein (p.Val111del), but otherwise preserves the integrity of the reading frame. This variant is not present in population databases (gnomAD no frequency). This variant has not been reported in the literature in individuals affected with SDHD-related conditions. Experimental studies and prediction algorithms are not available or were not evaluated, and the functional significance of this variant is currently unknown. In summary, the available evidence is currently insufficient to determine the role of this variant in disease. Therefore, it has been classified as a Variant of Uncertain Significance.

Section on Medical Neuroendocrinolgy, National Institutes of Health
Classification: Uncertain significance for Hereditary pheochromocytoma and paraganglioma. Review status: no assertion criteria provided. Collection method: research. Allele origin: germline. Affected: yes. Not counted in ClinVar's aggregate classification.